The following is an entry in ClinVar:

NM_000817.3(GAD1):c.1519G>A (p.Glu507Lys)

Gene: GAD1 (glutamate decarboxylase 1; plus strand). Cytogenetic location: 2q31.1.
Variant type: single nucleotide variant.
Coding change: c.1519G>A on transcript NM_000817.3 (MANE Select); coding-DNA position 1519, G replaced by A.
Protein change: p.Glu507Lys; replaces glutamic acid 507 with lysine.
Molecular consequence: missense variant.
Genome position (GRCh38, 1-based): chr2:170,857,123, G>A. VCF-style: chr2-170857123-G-A. GRCh37 (hg19) VCF-style: chr2-171713633-G-A.
Other names: short protein forms E507K.
Identifiers: ClinVar variation 1008975 (VCV001008975.9), dbSNP rs780328766, ClinGen allele CA1962965.

ClinVar aggregate classification (germline): Uncertain significance (1 of 4 stars; one submission).

Conditions:
Neurodevelopmental disorder with progressive spasticity and brain white matter abnormalities. Also called: CEREBRAL PALSY, SPASTIC QUADRIPLEGIC, 1. Identifiers: Orphanet 210141, Orphanet 641353, MedGen C5436628, MONDO:0033613, OMIM 619026.

Allele frequency attached by ClinVar (database versions not stated): ExAC 0.00001; gnomAD exomes 0.00001; TOPMed 0.00001; gnomAD 0.00002.
gnomAD v4.1: 14 of 1,610,970 alleles (0.00087%); highest among the groups gnomAD compares: Admixed American, 0.0033%; no homozygotes.

Submission:

Labcorp Genetics (formerly Invitae), Labcorp
Classification: Uncertain significance for Neurodevelopmental disorder with progressive spasticity and brain white matter abnormalities. Last evaluated: 2024-02-24. Review status: criteria provided, single submitter. Criteria: Invitae Variant Classification Sherloc (09022015). Collection method: clinical testing. Allele origin: germline.
Comment: This sequence change replaces glutamic acid, which is acidic and polar, with lysine, which is basic and polar, at codon 507 of the GAD1 protein (p.Glu507Lys). This variant is present in population databases (rs780328766, gnomAD 0.003%). This variant has not been reported in the literature in individuals affected with GAD1-related conditions. ClinVar contains an entry for this variant (Variation ID: 1008975). An algorithm developed to predict the effect of missense changes on protein structure and function (PolyPhen-2) suggests that this variant is likely to be tolerated. In summary, the available evidence is currently insufficient to determine the role of this variant in disease. Therefore, it has been classified as a Variant of Uncertain Significance.